The following is an entry in ClinVar:

NC_000006.11:g.(?_82459412)_(82461858_?)dup

Gene: TENT5A (terminal nucleotidyltransferase 5A; minus strand). Cytogenetic location: 6q14.1.
Variant type: Duplication.
Identifiers: ClinVar variation 2426329 (VCV002426329.4).

ClinVar aggregate classification (germline): Uncertain significance (1 of 4 stars; one submission).

Submission:

Labcorp Genetics (formerly Invitae), Labcorp
Classification: Uncertain significance. Last evaluated: 2022-11-08. Review status: criteria provided, single submitter. Criteria: Invitae Variant Classification Sherloc (09022015). Collection method: clinical testing. Allele origin: germline.
Comment: In summary, the available evidence is currently insufficient to determine the role of this variant in disease. Therefore, it has been classified as a Variant of Uncertain Significance. Experimental studies and prediction algorithms are not available or were not evaluated, and the functional significance of this variant is currently unknown. This variant has not been reported in the literature in individuals affected with FAM46A-related conditions. A copy number gain of the genomic region encompassing the full coding sequence of the FAM46A gene has been identified. The boundaries of this event are unknown as they extend beyond the assayed region for this gene and therefore may encompass additional genes. As the precise location of this event is unknown, it may be in tandem or it may be located elsewhere in the genome.